The following is an entry in ClinVar:

ClinVar aggregate classification (germline): Conflicting classifications of pathogenicity. Review status: criteria provided, conflicting classifications (1 of 4 stars). 3 submissions from 3 submitters: Uncertain significance (1); Likely benign (2). Last evaluated 2023-12-29.

Conditions:
Cardiovascular phenotype. Identifiers: MedGen CN230736.
Long QT syndrome (LQTS). Identifiers: MedGen C0023976, MeSH D008133, MONDO:0002442. Disease mechanism: loss of function. Inheritance: Various modes of inheritance.

Allele frequency attached by ClinVar (database versions not stated): ExAC 0.00001.

Submissions (3):

Ambry Genetics
Classification: Likely benign for Cardiovascular phenotype. Last evaluated: 2023-12-29. Review status: criteria provided, single submitter. Criteria: Ambry Variant Classification Scheme 2023. Collection method: clinical testing. Allele origin: germline.

All of Us Research Program, National Institutes of Health
Classification: Uncertain significance for Long QT syndrome. Last evaluated: 2023-11-20. Review status: criteria provided, single submitter. Criteria: ACMG Guidelines, 2015. Collection method: clinical testing. Allele origin: germline. Inheritance: Autosomal dominant inheritance. Observed: 1 variant allele, 1 heterozygote.
Comment: This missense variant replaces aspartic acid with glycine at codon 896 of the KCNH2 protein. Computational prediction suggests that this variant may have deleterious impact on protein structure and function (internally defined REVEL score threshold >= 0.7, PMID: 27666373). To our knowledge, functional studies have not been reported for this variant. This variant has not been reported in individuals affected with KCNH2-related disorders in the literature. This variant has not been identified in the general population by the Genome Aggregation Database (gnomAD). The available evidence is insufficient to determine the role of this variant in disease conclusively. Therefore, this variant is classified as a Variant of Uncertain Significance.

This study involves interpretation of variants in research participants for the purpose of population health screening. Participant phenotype was not available at the time of variant classification. Additional details can be found in publication PMID: 35346344, PMCID: PMC8962531

Blueprint Genetics
Classification: Likely benign. Last evaluated: 2018-12-14. Review status: criteria provided, single submitter. Criteria: ACMG Guidelines, 2015. Collection method: clinical testing. Allele origin: germline.

NM_000238.4(KCNH2):c.2687A>G (p.Asp896Gly)

Gene: KCNH2 (potassium voltage-gated channel subfamily H member 2; minus strand). Cytogenetic location: 7q36.1.
Variant type: single nucleotide variant.
Coding change: c.2687A>G on transcript NM_000238.4 (MANE Select); coding-DNA position 2687, A replaced by G.
Protein change: p.Asp896Gly; replaces aspartic acid 896 with glycine.
Molecular consequence: missense variant. On other transcripts: non-coding transcript variant (2).
Genome position (GRCh38, 1-based): chr7:150,948,449, T>C on the plus strand (A>G on the coding strand, the complement: KCNH2 is on the minus strand). VCF-style: chr7-150948449-T-C. GRCh37 (hg19) VCF-style: chr7-150645537-T-C.
Other names: c.2399A>G, p.Asp800Gly (NM_001406753.1); c.1667A>G, p.Asp556Gly (NM_172057.3); short protein forms D556G, D800G, D896G.
Identifiers: ClinVar variation 3074641 (VCV003074641.3), dbSNP rs757676104, ClinGen allele CA034162.